The following is an entry in ClinVar:

NM_004304.5(ALK):c.3303G>T (p.Lys1101Asn)

Gene: ALK (ALK receptor tyrosine kinase; minus strand). Cytogenetic location: 2p23.2.
Variant type: single nucleotide variant.
Coding change: c.3303G>T on transcript NM_004304.5 (MANE Select); coding-DNA position 3303, G replaced by T.
Protein change: p.Lys1101Asn; replaces lysine 1101 with asparagine.
Molecular consequence: missense variant.
Genome position (GRCh38, 1-based): chr2:29,223,398, C>A on the plus strand (G>T on the coding strand, the complement: ALK is on the minus strand). VCF-style: chr2-29223398-C-A. GRCh37 (hg19) VCF-style: chr2-29446264-C-A.
Other names: c.99G>T, p.Lys33Asn (NM_001353765.2); short protein forms K33N, K1101N.
Identifiers: ClinVar variation 2566568 (VCV002566568.3), dbSNP rs2148170829, ClinGen allele CA346464811.

ClinVar aggregate classification (germline): Uncertain significance (1 of 4 stars; one submission).

Conditions:
Hereditary cancer-predisposing syndrome. Also called: Neoplastic Syndromes, Hereditary; Hereditary Cancer Syndrome; Hereditary neoplastic syndrome; Tumor predisposition. Identifiers: Orphanet 140162, MedGen C0027672, MeSH D009386, MONDO:0015356.

Submission:

Ambry Genetics
Classification: Uncertain significance for Hereditary cancer-predisposing syndrome. Last evaluated: 2025-08-29. Review status: criteria provided, single submitter. Criteria: Ambry Variant Classification Scheme 2023. Collection method: clinical testing. Allele origin: germline.
Comment: The p.K1101N variant (also known as c.3303G>T), located in coding exon 20 of the ALK gene, results from a G to T substitution at nucleotide position 3303. The lysine at codon 1101 is replaced by asparagine, an amino acid with similar properties. This amino acid position is highly conserved in available vertebrate species. In addition, the in silico prediction for this alteration is inconclusive. Based on the available evidence, the clinical significance of this variant remains unclear.